The following is an entry in ClinVar:

ClinVar aggregate classification (germline): Uncertain significance. Review status: criteria provided, multiple submitters, no conflicts (2 of 4 stars). 2 submissions from 2 submitters: Uncertain significance (2). Last evaluated 2024-05-17.

Conditions:
Facioscapulohumeral muscular dystrophy 2 (FSHD2). Also called: FACIOSCAPULOHUMERAL MUSCULAR DYSTROPHY 2, DIGENIC; FSHD2, DIGENIC; MUSCULAR DYSTROPHY, FACIOSCAPULOHUMERAL, TYPE 1B. Identifiers: Orphanet 269, MedGen C1834671, MONDO:0008031, OMIM 158901.
Inborn genetic diseases. Identifiers: MedGen C0950123, MeSH D030342.

Allele frequency attached by ClinVar (database versions not stated): TOPMed below 0.00001; gnomAD 0.00001; gnomAD exomes 0.00001.
gnomAD v4.1: 5 of 1,597,870 alleles (0.00031%); highest among the groups gnomAD compares: Non-Finnish European, 0.00043%; no homozygotes.

Submissions (2):

Labcorp Genetics (formerly Invitae), Labcorp
Classification: Uncertain significance for Facioscapulohumeral muscular dystrophy 2. Last evaluated: 2024-05-17. Review status: criteria provided, single submitter. Criteria: Invitae Variant Classification Sherloc (09022015). Collection method: clinical testing. Allele origin: germline.
Comment: This sequence change replaces aspartic acid, which is acidic and polar, with asparagine, which is neutral and polar, at codon 1925 of the SMCHD1 protein (p.Asp1925Asn). The frequency data for this variant in the population databases is considered unreliable, as metrics indicate poor data quality at this position in the gnomAD database. This variant has not been reported in the literature in individuals affected with SMCHD1-related conditions. ClinVar contains an entry for this variant (Variation ID: 1921813). Advanced modeling of protein sequence and biophysical properties (such as structural, functional, and spatial information, amino acid conservation, physicochemical variation, residue mobility, and thermodynamic stability) performed at Invitae indicates that this missense variant is not expected to disrupt SMCHD1 protein function with a negative predictive value of 80%. In summary, the available evidence is currently insufficient to determine the role of this variant in disease. Therefore, it has been classified as a Variant of Uncertain Significance.

Ambry Genetics
Classification: Uncertain significance for Inborn genetic diseases. Last evaluated: 2023-12-14. Review status: criteria provided, single submitter. Criteria: Ambry Variant Classification Scheme 2023. Collection method: clinical testing. Allele origin: germline.

NM_015295.3(SMCHD1):c.5773G>A (p.Asp1925Asn)

Gene: SMCHD1 (structural maintenance of chromosomes flexible hinge domain containing 1; plus strand). Cytogenetic location: 18p11.32.
Variant type: single nucleotide variant.
Coding change: c.5773G>A on transcript NM_015295.3 (MANE Select); coding-DNA position 5773, G replaced by A.
Protein change: p.Asp1925Asn; replaces aspartic acid 1925 with asparagine.
Molecular consequence: missense variant.
Genome position (GRCh38, 1-based): chr18:2,796,002, G>A. VCF-style: chr18-2796002-G-A. GRCh37 (hg19) VCF-style: chr18-2796000-G-A.
Other names: c.5773G>A (NM_015295.2); short protein forms D1925N.
Identifiers: ClinVar variation 1921813 (VCV001921813.6), dbSNP rs1242085146, ClinGen allele CA401690712.